The following is an entry in ClinVar:

ClinVar aggregate classification (germline): Uncertain significance (1 of 4 stars; one submission).

Submission:

Labcorp Genetics (formerly Invitae), Labcorp
Classification: Uncertain significance. Last evaluated: 2022-07-23. Review status: criteria provided, single submitter. Criteria: Invitae Variant Classification Sherloc (09022015). Collection method: clinical testing. Allele origin: germline.
Comment: In summary, the available evidence is currently insufficient to determine the role of this variant in disease. Therefore, it has been classified as a Variant of Uncertain Significance. Algorithms developed to predict the effect of missense changes on protein structure and function output the following: SIFT: "Deleterious"; PolyPhen-2: "Benign"; Align-GVGD: "Class C15". The arginine amino acid residue is found in multiple mammalian species, which suggests that this missense change does not adversely affect protein function. This variant has not been reported in the literature in individuals affected with DTHD1-related conditions. This variant is not present in population databases (gnomAD no frequency). This sequence change replaces glycine, which is neutral and non-polar, with arginine, which is basic and polar, at codon 113 of the DTHD1 protein (p.Gly113Arg).

NM_001170700.3(DTHD1):c.1207G>A (p.Gly403Arg)

Gene: DTHD1 (death domain containing 1; plus strand). Cytogenetic location: 4p14.
Variant type: single nucleotide variant.
Coding change: c.1207G>A on transcript NM_001170700.3 (MANE Select); coding-DNA position 1207, G replaced by A.
Protein change: p.Gly403Arg; replaces glycine 403 with arginine.
Molecular consequence: missense variant. On other transcripts: non-coding transcript variant (2).
Genome position (GRCh38, 1-based): chr4:36,290,692, G>A. VCF-style: chr4-36290692-G-A. GRCh37 (hg19) VCF-style: chr4-36292314-G-A.
Other names: c.337G>A, p.Gly113Arg (NM_001136536.5, NM_001378435.1); short protein forms G113R, G403R.
Identifiers: ClinVar variation 2123934 (VCV002123934.4), dbSNP rs2529719074, ClinGen allele CA356679280.